The following is an entry in ClinVar:

NM_004168.4(SDHA):c.1564C>A (p.His522Asn)

Gene: SDHA (succinate dehydrogenase complex flavoprotein subunit A; plus strand). Cytogenetic location: 5p15.33.
Variant type: single nucleotide variant.
Coding change: c.1564C>A on transcript NM_004168.4 (MANE Select); coding-DNA position 1564, C replaced by A.
Protein change: p.His522Asn; replaces histidine 522 with asparagine.
Molecular consequence: missense variant. On other transcripts: intron variant (1).
Genome position (GRCh38, 1-based): chr5:251,004, C>A. VCF-style: chr5-251004-C-A. GRCh37 (hg19) VCF-style: chr5-251119-C-A.
Other names: c.1420C>A, p.His474Asn (NM_001294332.2); c.1552-3389C>A (NM_001330758.2); short protein forms H474N, H522N.
Identifiers: ClinVar variation 4789765 (VCV004789765.1).

ClinVar aggregate classification (germline): Uncertain significance (1 of 4 stars; one submission).

Conditions:
Mitochondrial complex II deficiency, nuclear type 1. Also called: SUCCINATE CoQ REDUCTASE DEFICIENCY. Identifiers: Orphanet 3208, MedGen C5700310, MONDO:0100294, OMIM 252011.
Pheochromocytoma/paraganglioma syndrome 5. Also called: Paragangliomas 5; SDHA-Related Hereditary Paraganglioma-Pheochromocytoma Syndrome. Identifiers: Orphanet 29072, MedGen C3279992, MONDO:0013602, OMIM 614165.

Submission:

Labcorp Genetics (formerly Invitae), Labcorp
Classification: Uncertain significance for Pheochromocytoma/paraganglioma syndrome 5; Mitochondrial complex II deficiency, nuclear type 1. Last evaluated: 2025-12-09. Review status: criteria provided, single submitter. Criteria: Invitae Variant Classification Sherloc (09022015). Collection method: clinical testing. Allele origin: germline.
Comment: This sequence change replaces histidine, which is basic and polar, with asparagine, which is neutral and polar, at codon 522 of the SDHA protein (p.His522Asn). This variant is not present in population databases (gnomAD no frequency). This variant has not been reported in the literature in individuals affected with SDHA-related conditions. Invitae Evidence Modeling of protein sequence and biophysical properties (such as structural, functional, and spatial information, amino acid conservation, physicochemical variation, residue mobility, and thermodynamic stability) indicates that this missense variant is not expected to disrupt SDHA protein function with a negative predictive value of 95%. In summary, the available evidence is currently insufficient to determine the role of this variant in disease. Therefore, it has been classified as a Variant of Uncertain Significance.